The following is an entry in ClinVar:

NM_000170.3(GLDC):c.2919C>T (p.Leu973=)

Gene: GLDC (glycine decarboxylase; minus strand). Cytogenetic location: 9p24.1.
Variant type: single nucleotide variant.
Coding change: c.2919C>T on transcript NM_000170.3 (MANE Select); coding-DNA position 2919, C replaced by T.
Protein change: p.Leu973=; no amino-acid change (leucine 973 retained).
Molecular consequence: synonymous variant.
Genome position (GRCh38, 1-based): chr9:6,534,708, G>A on the plus strand (C>T on the coding strand, the complement: GLDC is on the minus strand). VCF-style: chr9-6534708-G-A. GRCh37 (hg19) VCF-style: chr9-6534708-G-A.
Identifiers: ClinVar variation 367174 (VCV000367174.37), dbSNP rs113736090, ClinGen allele CA4980022.

ClinVar aggregate classification (germline): Conflicting classifications of pathogenicity. Review status: criteria provided, conflicting classifications (1 of 4 stars). 6 submissions from 6 submitters: Uncertain significance (2); Likely benign (2). 2 of the submissions do not count toward it. Last evaluated 2024-10-23.

Conditions:
GLDC-related disorder. Also called: GLDC-related condition.
Glycine encephalopathy. Also called: Nonketotic hyperglycinemia; Non-ketotic hyperglycinemia. Identifiers: Orphanet 407, MedGen C0751748, MONDO:0011612, HP:0008288.

Allele frequency attached by ClinVar (database versions not stated): gnomAD 0.00006 and 0.00005; TOPMed 0.00007; 1000 Genomes Project 30x 0.00016; 1000 Genomes Project 0.00020; ExAC 0.00004; gnomAD exomes 0.00005.

Submissions (6):

Labcorp Genetics (formerly Invitae), Labcorp
Classification: Uncertain significance for Glycine encephalopathy. Last evaluated: 2024-10-23. Review status: criteria provided, single submitter. Criteria: Invitae Variant Classification Sherloc (09022015). Collection method: clinical testing. Allele origin: germline.
Comment: This sequence change affects codon 973 of the GLDC mRNA. It is a 'silent' change, meaning that it does not change the encoded amino acid sequence of the GLDC protein. It affects a nucleotide within the consensus splice site. This variant is present in population databases (rs113736090, gnomAD 0.01%). This variant has been observed in individual(s) with autism (PMID: 31785789). This variant is also known as 9:6534708. ClinVar contains an entry for this variant (Variation ID: 367174). Algorithms developed to predict the effect of sequence changes on RNA splicing suggest that this variant is not likely to affect RNA splicing. In summary, the available evidence is currently insufficient to determine the role of this variant in disease. Therefore, it has been classified as a Variant of Uncertain Significance.

CeGaT Center for Human Genetics Tuebingen
Classification: Likely benign. Last evaluated: 2023-08-01. Review status: criteria provided, single submitter. Criteria: CeGaT Center For Human Genetics Tuebingen Variant Classification Criteria Version 2. Collection method: clinical testing. Allele origin: germline. Affected: yes. Observed: 1 variant allele.
Comment: GLDC: BP4, BP7

GeneDx
Classification: Likely benign. Last evaluated: 2021-06-15. Review status: criteria provided, single submitter. Criteria: GeneDx Variant Classification Process June 2021. Collection method: clinical testing. Allele origin: germline. Affected: yes.

Illumina Laboratory Services, Illumina
Classification: Uncertain significance for Glycine encephalopathy 1. Last evaluated: 2018-01-12. Review status: criteria provided, single submitter. Criteria: ICSL Variant Classification Criteria 13 December 2019. Collection method: clinical testing. Allele origin: germline.

Natera, Inc.
Classification: Uncertain significance for Non-ketotic hyperglycinemia. Last evaluated: 2020-03-11. Review status: no assertion criteria provided. Collection method: clinical testing. Allele origin: germline. Not counted in ClinVar's aggregate classification.

PreventionGenetics, part of Exact Sciences
Classification: Likely benign for GLDC-related condition. Last evaluated: 2020-01-08. Review status: no assertion criteria provided. Collection method: clinical testing. Allele origin: germline. Not counted in ClinVar's aggregate classification.
Comment: This variant is classified as likely benign based on ACMG/AMP sequence variant interpretation guidelines (Richards et al. 2015 PMID: 25741868, with internal and published modifications).

Literature cited by the submitters: PubMed 31785789 (cited by Labcorp Genetics (formerly Invitae), Labcorp).